The following is an entry in ClinVar:

ClinVar aggregate classification (germline): Benign. Review status: criteria provided, multiple submitters, no conflicts (2 of 4 stars). 2 submissions from 2 submitters: Benign (2). Last evaluated 2019-01-11.

Allele frequency attached by ClinVar (database versions not stated): gnomAD 0.09399 and 0.09166; ExAC 0.09848; gnomAD exomes 0.12392 and 0.09781; 1000 Genomes Project 30x 0.04357; 1000 Genomes Project 0.04393; ESP Exome Variant Server 0.09707; TOPMed 0.08504.
gnomAD v4.1: 193,811 of 1,613,398 alleles (12%); highest among the groups gnomAD compares: Non-Finnish European, 14%; 13,346 homozygotes.

Submissions (9):

GeneDx
Classification: Benign. Last evaluated: 2019-01-11. Review status: criteria provided, single submitter. Criteria: GeneDx Variant Classification Process June 2021. Collection method: clinical testing. Allele origin: germline. Affected: yes.
Comment: This variant is associated with the following publications: (PMID: 29083408)

Breakthrough Genomics
Classification: Benign. Review status: criteria provided, single submitter. Criteria: ACMG Guidelines, 2015. Collection method: not provided. Allele origin: germline. Inheritance: Unknown mechanism. Affected: yes.

Dr. Peter K. Rogan Lab, Western University
No classification provided (evidence only). Condition: Colorectal cancer. Review status: no classification provided. Collection method: in vitro. Allele origin: not applicable. Functional consequence: retained intron. Not counted in ClinVar's aggregate classification.

Dr. Peter K. Rogan Lab, Western University
No classification provided (evidence only). Condition: Colorectal cancer. Review status: no classification provided. Collection method: in vitro. Allele origin: not applicable. Functional consequence: retained intron. Not counted in ClinVar's aggregate classification.

Dr. Peter K. Rogan Lab, Western University
No classification provided (evidence only). Condition: Cholangiocarcinoma. Review status: no classification provided. Collection method: in vitro. Allele origin: not applicable. Functional consequence: retained intron. Not counted in ClinVar's aggregate classification.

Dr. Peter K. Rogan Lab, Western University
No classification provided (evidence only). Condition: Adrenocortical carcinoma, hereditary. Review status: no classification provided. Collection method: in vitro. Allele origin: not applicable. Functional consequence: retained intron. Not counted in ClinVar's aggregate classification.

Dr. Peter K. Rogan Lab, Western University
No classification provided (evidence only). Condition: Adrenocortical carcinoma, hereditary. Review status: no classification provided. Collection method: in vitro. Allele origin: not applicable. Functional consequence: retained intron. Not counted in ClinVar's aggregate classification.

Dr. Peter K. Rogan Lab, Western University
No classification provided (evidence only). Condition: Uterine carcinosarcoma. Review status: no classification provided. Collection method: in vitro. Allele origin: not applicable. Functional consequence: retained intron. Not counted in ClinVar's aggregate classification.

Dr. Peter K. Rogan Lab, Western University
No classification provided (evidence only). Condition: Uterine carcinosarcoma. Review status: no classification provided. Collection method: in vitro. Allele origin: not applicable. Functional consequence: retained intron. Not counted in ClinVar's aggregate classification.

NM_001330348.2(TBC1D8):c.2905G>A (p.Gly969Arg)

Genes: RPL31 (ribosomal protein L31; plus strand), TBC1D8 (TBC1 domain family member 8; minus strand). Cytogenetic location: 2q11.2.
Variant type: single nucleotide variant.
Coding change: c.2905G>A on transcript NM_001330348.2 (MANE Select); coding-DNA position 2905, G replaced by A.
Protein change: p.Gly969Arg; replaces glycine 969 with arginine.
Molecular consequence: missense variant. On other transcripts: non-coding transcript variant (1), intron variant (1).
Genome position (GRCh38, 1-based): chr2:101,011,463, C>T on the plus strand (G>A on the coding strand, the complement: TBC1D8 is on the minus strand). VCF-style: chr2-101011463-C-T. GRCh37 (hg19) VCF-style: chr2-101627925-C-T.
Other names: NC_000002.11:g.101627925C>T; c.2860G>A, p.Gly954Arg (NM_001102426.3); c.346+5392C>T (NM_001098577.3); short protein forms G954R, G969R.
Identifiers: ClinVar variation 1256912 (VCV001256912.6), dbSNP rs1062062, ClinGen allele CA1804489.